The following is an entry in ClinVar:

NM_000038.6(APC):c.3970C>G (p.Pro1324Ala)

Gene: APC (APC regulator of Wnt signaling pathway; plus strand). Cytogenetic location: 5q22.2.
Variant type: single nucleotide variant.
Coding change: c.3970C>G on transcript NM_000038.6 (MANE Select); coding-DNA position 3970, C replaced by G.
Protein change: p.Pro1324Ala; replaces proline 1324 with alanine.
Molecular consequence: missense variant.
Genome position (GRCh38, 1-based): chr5:112,839,564, C>G. VCF-style: chr5-112839564-C-G. GRCh37 (hg19) VCF-style: chr5-112175261-C-G.
Other names: p.P1324A:CCA>GCA; c.3970C>G, p.Pro1324Ala (NM_001127510.3, NM_001354895.2); c.3916C>G, p.Pro1306Ala (NM_001127511.3); c.4024C>G, p.Pro1342Ala (NM_001354896.2); c.4000C>G, p.Pro1334Ala (NM_001354897.2); c.3895C>G, p.Pro1299Ala (NM_001354898.2); c.3886C>G, p.Pro1296Ala (NM_001354899.2); c.3847C>G, p.Pro1283Ala (NM_001354900.2); and 6 more; short protein forms P1324A, P1306A, P1223A, P1233A, P1164A, P1334A, P1265A, P1296A.
Identifiers: ClinVar variation 127292 (VCV000127292.20), dbSNP rs587779792, ClinGen allele CA008836.

ClinVar aggregate classification (germline): Uncertain significance. Review status: criteria provided, multiple submitters, no conflicts (2 of 4 stars). 5 submissions from 5 submitters: Uncertain significance (5). Last evaluated 2024-08-12.

Conditions:
Hereditary cancer-predisposing syndrome. Also called: Hereditary Cancer Syndrome; Hereditary neoplastic syndrome; Tumor predisposition; Neoplastic Syndromes, Hereditary. Identifiers: Orphanet 140162, MedGen C0027672, MeSH D009386, MONDO:0015356.
Familial adenomatous polyposis 1 (FAP1). Also called: FAMILIAL ADENOMATOUS POLYPOSIS 1, ATTENUATED; POLYPOSIS, ADENOMATOUS INTESTINAL. Identifiers: MedGen C2713442, MONDO:0021056, OMIM 175100. Disease mechanism: loss of function.

Submissions (5):

Color Diagnostics, LLC DBA Color Health
Classification: Uncertain significance for Hereditary cancer-predisposing syndrome. Last evaluated: 2024-08-12. Review status: criteria provided, single submitter. Criteria: ACMG Guidelines, 2015. Collection method: clinical testing. Allele origin: germline.
Comment: This missense variant replaces proline with alanine at codon 1324 of the APC protein. Computational prediction suggests that this variant may not impact protein structure and function (internally defined REVEL score threshold <= 0.5, PMID: 27666373). To our knowledge, functional studies have not been reported for this variant. This variant has not been reported in individuals affected with APC-related disorders in the literature. This variant has not been identified in the general population by the Genome Aggregation Database (gnomAD). The available evidence is insufficient to determine the role of this variant in disease conclusively. Therefore, this variant is classified as a Variant of Uncertain Significance.

Labcorp Genetics (formerly Invitae), Labcorp
Classification: Uncertain significance for Familial adenomatous polyposis 1. Last evaluated: 2024-08-06. Review status: criteria provided, single submitter. Criteria: Invitae Variant Classification Sherloc (09022015). Collection method: clinical testing. Allele origin: germline.
Comment: This sequence change replaces proline, which is neutral and non-polar, with alanine, which is neutral and non-polar, at codon 1324 of the APC protein (p.Pro1324Ala). This variant is not present in population databases (gnomAD no frequency). This variant has not been reported in the literature in individuals affected with APC-related conditions. ClinVar contains an entry for this variant (Variation ID: 127292). Advanced modeling of protein sequence and biophysical properties (such as structural, functional, and spatial information, amino acid conservation, physicochemical variation, residue mobility, and thermodynamic stability) performed at Invitae indicates that this missense variant is not expected to disrupt APC protein function with a negative predictive value of 95%. In summary, the available evidence is currently insufficient to determine the role of this variant in disease. Therefore, it has been classified as a Variant of Uncertain Significance.

Ambry Genetics
Classification: Uncertain significance for Hereditary cancer-predisposing syndrome. Last evaluated: 2022-07-22. Review status: criteria provided, single submitter. Criteria: Ambry Variant Classification Scheme 2023. Collection method: clinical testing. Allele origin: germline.
Comment: The p.P1324A variant (also known as c.3970C>G), located in coding exon 15 of the APC gene, results from a C to G substitution at nucleotide position 3970. The proline at codon 1324 is replaced by alanine, an amino acid with highly similar properties. This amino acid position is not well conserved in available vertebrate species. In addition, in silico predictors for this gene do not accurately predict pathogenicity. Since supporting evidence is limited at this time, the clinical significance of this alteration remains unclear.

Sema4
Classification: Uncertain significance for Hereditary cancer-predisposing syndrome. Last evaluated: 2021-08-12. Review status: criteria provided, single submitter. Criteria: Sema4 Curation Guidelines. Collection method: curation. Allele origin: germline.
Comment: To the best of our knowledge, the APC c.3970C>G (p.P1324A) variant has not been reported in individuals with APC-related disease. It was not observed in the large and broad cohorts of the Genome Aggregation Database (PMID: 32461654). This variant has been reported in ClinVar (Variation ID 127292). Functional studies have not been performed, and in silico predictions of the variant's effect on protein function are inconclusive. The evidence is insufficient to meet ACMG/AMP criteria for classifying the variant as benign or pathogenic. Thus, the clinical significance of this variant is currently uncertain.

GeneDx
Classification: Uncertain significance. Last evaluated: 2013-10-17. Review status: criteria provided, single submitter. Criteria: GeneDx Variant Classification (06012015). Collection method: clinical testing. Allele origin: germline. Affected: yes.
Comment: This variant is denoted APC c.3970C>G at the cDNA level, p.Pro1324Ala (P1324A) at the protein level, and results in the change of a Proline to an Alanine (CCA>GCA). This variant has not, to our knowledge, been published in the literature as pathogenic or benign. APC Pro1324Ala was not observed in approximately 6,500 individuals of European and African American ancestry in the NHLBI Exome Sequencing Project, indicating it is not a common benign variant in these populations. This variant is a semi-conservative substitution of a neutral non-polar amino acid for a neutral non-polar one, altering a position that is well conserved throughout evolution and is located in the in a region involved in ubiquitination leading to APC downregulation. In silico analyses predict this variant to have a benign effect on protein structure and function. Based on currently available information, it is unclear whether APC Pro1324Ala is pathogenic or benign. We consider it to be a variant of uncertain significance.